The following is an entry in ClinVar:

NM_001283009.2(RTEL1):c.2654A>G (p.Glu885Gly)

Genes: RTEL1 (regulator of telomere elongation helicase 1; plus strand), RTEL1-TNFRSF6B (RTEL1-TNFRSF6B readthrough (NMD candidate); plus strand). Cytogenetic location: 20q13.33.
Variant type: single nucleotide variant.
Coding change: c.2654A>G on transcript NM_001283009.2 (MANE Select); coding-DNA position 2654, A replaced by G.
Protein change: p.Glu885Gly; replaces glutamic acid 885 with glycine.
Molecular consequence: missense variant. On other transcripts: non-coding transcript variant (1).
Genome position (GRCh38, 1-based): chr20:63,692,806, A>G. VCF-style: chr20-63692806-A-G. GRCh37 (hg19) VCF-style: chr20-62324159-A-G.
Other names: c.1985A>G, p.Glu662Gly (NM_001283010.1); c.2654A>G, p.Glu885Gly (NM_016434.4); c.2726A>G, p.Glu909Gly (NM_032957.5); short protein forms E885G, E909G, E662G.
Identifiers: ClinVar variation 1993064 (VCV001993064.4), dbSNP rs2517164487, ClinGen allele CA409682773.
Genomic context (GRCh38, chr20:63,692,806, plus strand): 5'-GCCCCAGGGACCAGATGATGAGGCTGGCCCTGATGGAGCCTCGGGCCTGTGTCCTGCAGG[A>G]GGAGCCCGTGGCTGGTGCACAGACGGACAGGGCCAAGCTCTTCATGGTGGCCGTGAAGCA-3'
Protein context (NP_001269938.1, residues 875-895): RKKIRLVSHP[Glu885Gly]EPVAGAQTDR

ClinVar aggregate classification (germline): Uncertain significance (1 of 4 stars; one submission).

Conditions:
Pulmonary fibrosis and/or bone marrow failure, Telomere-related, 3. Also called: PULMONARY FIBROSIS AND/OR BONE MARROW FAILURE SYNDROME, TELOMERE-RELATED, 3. Identifiers: Orphanet 2032, MedGen C4225346, MONDO:0014613, OMIM 616373.
Dyskeratosis congenita, autosomal recessive 5 (DKCB5). Identifiers: MedGen C3554656, MONDO:0014076, OMIM 615190.

Submission:

Labcorp Genetics (formerly Invitae), Labcorp
Classification: Uncertain significance for Dyskeratosis congenita, autosomal recessive 5; Pulmonary fibrosis and/or bone marrow failure, Telomere-related, 3. Last evaluated: 2022-05-11. Review status: criteria provided, single submitter. Criteria: Invitae Variant Classification Sherloc (09022015). Collection method: clinical testing. Allele origin: germline.
Comment: This sequence change replaces glutamic acid, which is acidic and polar, with glycine, which is neutral and non-polar, at codon 885 of the RTEL1 protein (p.Glu885Gly). This variant is not present in population databases (gnomAD no frequency). This variant has not been reported in the literature in individuals affected with RTEL1-related conditions. Algorithms developed to predict the effect of missense changes on protein structure and function are either unavailable or do not agree on the potential impact of this missense change (SIFT: "Tolerated"; PolyPhen-2: "Possibly Damaging"; Align-GVGD: "Class C0"). In summary, the available evidence is currently insufficient to determine the role of this variant in disease. Therefore, it has been classified as a Variant of Uncertain Significance.